The following is an entry in ClinVar:

NM_000264.5(PTCH1):c.161G>A (p.Ser54Asn)

Gene: PTCH1 (patched 1; minus strand). Cytogenetic location: 9q22.32.
Variant type: single nucleotide variant.
Coding change: c.161G>A on transcript NM_000264.5 (MANE Select); coding-DNA position 161, G replaced by A.
Protein change: p.Ser54Asn; replaces serine 54 with asparagine.
Molecular consequence: missense variant. On other transcripts: non-coding transcript variant (1), intron variant (3).
Genome position (GRCh38, 1-based): chr9:95,508,201, C>T on the plus strand (G>A on the coding strand, the complement: PTCH1 is on the minus strand). VCF-style: chr9-95508201-C-T. GRCh37 (hg19) VCF-style: chr9-98270483-C-T.
Other names: c.161G>A, p.Ser54Asn (NM_001354918.2); c.199-1602G>A (NM_001083603.3); c.4-1602G>A (NM_001083602.3, NM_001354919.2); short protein forms S54N.
Identifiers: ClinVar variation 1977330 (VCV001977330.6), dbSNP rs1008478587, ClinGen allele CA374121327.
Genomic context (GRCh38, chr9:95,508,201, plus strand): 5'-GGAGAGAGTCTGAAATGCACCTTGGAAATCTGCTCCAGAGCGAAGGCGGCGTCGCAGTAG[C>T]TGGGCCGGTGCAGATAGTCCCGGTCCGGCGCGGCAGCACGGCGCAGCCCCCCCGTCCGTC-3'
Protein context (NP_000255.2, residues 44-64): APDRDYLHRP[Ser54Asn]YCDAAFALEQ

ClinVar aggregate classification (germline): Uncertain significance. Review status: criteria provided, multiple submitters, no conflicts (2 of 4 stars). 2 submissions from 2 submitters: Uncertain significance (2). Last evaluated 2025-07-31.

Conditions:
Gorlin syndrome. Also called: Nevoid Basal Cell Carcinoma Syndrome; Basal cell nevus syndrome. Identifiers: Orphanet 377, MedGen C0004779, MONDO:0007187.
Hereditary cancer-predisposing syndrome. Also called: Hereditary neoplastic syndrome; Neoplastic Syndromes, Hereditary; Tumor predisposition; Hereditary Cancer Syndrome. Identifiers: Orphanet 140162, MedGen C0027672, MeSH D009386, MONDO:0015356.

Allele frequency attached by ClinVar (database versions not stated): gnomAD exomes below 0.00001.
gnomAD v4.1: 1 of 1,612,550 alleles (0.000062%); highest among the groups gnomAD compares: South Asian, 0.0011%; no homozygotes.

Submissions (2):

Labcorp Genetics (formerly Invitae), Labcorp
Classification: Uncertain significance for Gorlin syndrome. Last evaluated: 2025-07-31. Review status: criteria provided, single submitter. Criteria: Invitae Variant Classification Sherloc (09022015). Collection method: clinical testing. Allele origin: germline.
Comment: This sequence change replaces serine, which is neutral and polar, with asparagine, which is neutral and polar, at codon 54 of the PTCH1 protein (p.Ser54Asn). This variant is not present in population databases (gnomAD no frequency). This variant has not been reported in the literature in individuals affected with PTCH1-related conditions. ClinVar contains an entry for this variant (Variation ID: 1977330). Invitae Evidence Modeling of protein sequence and biophysical properties (such as structural, functional, and spatial information, amino acid conservation, physicochemical variation, residue mobility, and thermodynamic stability) has been performed for this missense variant. However, the output from this modeling did not meet the statistical confidence thresholds required to predict the impact of this variant on PTCH1 protein function. In summary, the available evidence is currently insufficient to determine the role of this variant in disease. Therefore, it has been classified as a Variant of Uncertain Significance.

Ambry Genetics
Classification: Uncertain significance for Hereditary cancer-predisposing syndrome. Last evaluated: 2023-10-01. Review status: criteria provided, single submitter. Criteria: Ambry Variant Classification Scheme 2023. Collection method: clinical testing. Allele origin: germline.
Comment: The p.S54N variant (also known as c.161G>A), located in coding exon 1 of the PTCH1 gene, results from a G to A substitution at nucleotide position 161. The serine at codon 54 is replaced by asparagine, an amino acid with highly similar properties. This amino acid position is conserved. In addition, the in silico prediction for this alteration is inconclusive. Since supporting evidence is limited at this time, the clinical significance of this alteration remains unclear.